The following is an entry in ClinVar:

ClinVar aggregate classification (germline): Uncertain significance. Review status: criteria provided, multiple submitters, no conflicts (2 of 4 stars). 3 submissions from 3 submitters: Uncertain significance (3). Last evaluated 2025-12-29.

Conditions:
NTRK2-related disorder. Also called: NTRK2-related condition.

Allele frequency attached by ClinVar (database versions not stated): gnomAD exomes 0.00001 and 0.00002; ExAC 0.00002; gnomAD 0.00007 and 0.00009; TOPMed 0.00011.
gnomAD v4.1: 20 of 1,609,598 alleles (0.0012%); highest among the groups gnomAD compares: African/African-American, 0.021%; no homozygotes.

Submissions (3):

PreventionGenetics, part of Exact Sciences
Classification: Uncertain significance for NTRK2-related condition. Last evaluated: 2025-12-29. Review status: criteria provided, single submitter. Criteria: ACMG Guidelines, 2015. Collection method: clinical testing. Allele origin: germline.
Comment: The NTRK2 c.170G>T variant is predicted to result in the amino acid substitution p.Arg57Ile. To our knowledge, this variant has not been reported in the literature. This variant is reported in 0.028% of alleles in individuals of African descent in gnomAD, which may be too common to be a primary cause of disease. Although we suspect that this variant may be benign, at this time, the clinical significance of this variant is uncertain due to the absence of conclusive functional and genetic evidence.

Labcorp Genetics (formerly Invitae), Labcorp
Classification: Uncertain significance. Last evaluated: 2024-10-15. Review status: criteria provided, single submitter. Criteria: Invitae Variant Classification Sherloc (09022015). Collection method: clinical testing. Allele origin: germline.
Comment: This sequence change replaces arginine, which is basic and polar, with isoleucine, which is neutral and non-polar, at codon 57 of the NTRK2 protein (p.Arg57Ile). This variant is present in population databases (rs758729728, gnomAD 0.03%). This variant has not been reported in the literature in individuals affected with NTRK2-related conditions. ClinVar contains an entry for this variant (Variation ID: 1336838). Invitae Evidence Modeling of protein sequence and biophysical properties (such as structural, functional, and spatial information, amino acid conservation, physicochemical variation, residue mobility, and thermodynamic stability) indicates that this missense variant is not expected to disrupt NTRK2 protein function with a negative predictive value of 95%. In summary, the available evidence is currently insufficient to determine the role of this variant in disease. Therefore, it has been classified as a Variant of Uncertain Significance.

Genetic Services Laboratory, University of Chicago
Classification: Uncertain significance. Last evaluated: 2018-08-21. Review status: criteria provided, single submitter. Criteria: ACMG Guidelines, 2015. Collection method: clinical testing. Allele origin: germline. Affected: no.

NM_006180.6(NTRK2):c.170G>T (p.Arg57Ile)

Gene: NTRK2 (neurotrophic receptor tyrosine kinase 2; plus strand). Cytogenetic location: 9q21.33.
Variant type: single nucleotide variant.
Coding change: c.170G>T on transcript NM_006180.6 (MANE Select); coding-DNA position 170, G replaced by T.
Protein change: p.Arg57Ile; replaces arginine 57 with isoleucine.
Molecular consequence: missense variant.
Genome position (GRCh38, 1-based): chr9:84,670,918, G>T. VCF-style: chr9-84670918-G-T. GRCh37 (hg19) VCF-style: chr9-87285833-G-T.
Other names: c.170G>T, p.Arg57Ile (NM_001007097.3, NM_001018064.3, NM_001018065.2 and 18 more transcripts); short protein forms R57I.
Identifiers: ClinVar variation 1336838 (VCV001336838.13), dbSNP rs758729728, ClinGen allele CA5105416.
Genomic context (GRCh38, chr9:84,670,918, plus strand): 5'-AATGCAGTGCCTCTCGGATCTGGTGCAGCGACCCTTCTCCTGGCATCGTGGCATTTCCGA[G>T]ATTGGAGCCTAACAGTGTAGATCCTGAGAACATCACCGAAATGTGAGTTCCTGGAGCTTT-3'
Protein context (NP_006171.2, residues 47-67): DPSPGIVAFP[Arg57Ile]LEPNSVDPEN